The following is an entry in ClinVar:

ClinVar aggregate classification (germline): Uncertain significance (1 of 4 stars; one submission).

Conditions:
Pitt-Hopkins-like syndrome 2 (PTHSL2). Identifiers: Orphanet 221150, Orphanet 600663, MedGen C3280479, MONDO:0013690, OMIM 614325.

Submission:

Labcorp Genetics (formerly Invitae), Labcorp
Classification: Uncertain significance for Pitt-Hopkins-like syndrome 2. Last evaluated: 2024-03-12. Review status: criteria provided, single submitter. Criteria: Invitae Variant Classification Sherloc (09022015). Collection method: clinical testing. Allele origin: germline.
Comment: This sequence change replaces tyrosine, which is neutral and polar, with asparagine, which is neutral and polar, at codon 440 of the NRXN1 protein (p.Tyr440Asn). This variant is not present in population databases (gnomAD no frequency). This variant has not been reported in the literature in individuals affected with NRXN1-related conditions. An algorithm developed to predict the effect of missense changes on protein structure and function (PolyPhen-2) suggests that this variant is likely to be disruptive. In summary, the available evidence is currently insufficient to determine the role of this variant in disease. Therefore, it has been classified as a Variant of Uncertain Significance.

NM_001330078.2(NRXN1):c.1198T>A (p.Tyr400Asn)

Gene: NRXN1 (neurexin 1; minus strand). Cytogenetic location: 2p16.3.
Variant type: single nucleotide variant.
Coding change: c.1198T>A on transcript NM_001330078.2 (MANE Select); coding-DNA position 1198, T replaced by A.
Protein change: p.Tyr400Asn; replaces tyrosine 400 with asparagine.
Molecular consequence: missense variant.
Genome position (GRCh38, 1-based): chr2:50,620,144, A>T on the plus strand (T>A on the coding strand, the complement: NRXN1 is on the minus strand). VCF-style: chr2-50620144-A-T. GRCh37 (hg19) VCF-style: chr2-50847282-A-T.
Other names: c.1318T>A, p.Tyr440Asn (NM_001135659.3); c.1174T>A, p.Tyr392Asn (NM_001330077.2, NM_001330082.2, NM_001330095.2); c.1159T>A, p.Tyr387Asn (NM_001330083.2, NM_001330084.2); c.1198T>A, p.Tyr400Asn (NM_001330085.2, NM_001330086.2, NM_004801.6); c.1114T>A, p.Tyr372Asn (NM_001330087.2, NM_001330096.2); c.1144T>A, p.Tyr382Asn (NM_001330088.2); c.1195T>A, p.Tyr399Asn (NM_001330093.2); c.1186T>A, p.Tyr396Asn (NM_001330094.2); short protein forms Y396N, Y387N, Y399N, Y400N, Y372N, Y382N, Y392N, Y440N.
Identifiers: ClinVar variation 2759439 (VCV002759439.3), dbSNP rs17040901, ClinGen allele CA47954333.
Genomic context (GRCh38, chr2:50,620,144, plus strand): 5'-GACTGCCTCCAACATAGAAAAAGTCATCAGACCCCAGCATGGTATAATCTTCTTGCGTGT[A>T]GCCCGTTGTGGTAAGAATCCCATCCACTGATATTGTCACCTAGATAACAAAGCACAGGGA-3'
Protein context (NP_001317007.1, residues 390-410): SVDGILTTTG[Tyr400Asn]TQEDYTMLGS